The following is an entry in ClinVar:

ClinVar aggregate classification (germline): Pathogenic. Review status: criteria provided, multiple submitters, no conflicts (2 of 4 stars). 2 submissions from 2 submitters: Pathogenic (2). Last evaluated 2020-06-30.

Submissions (2):

Labcorp Genetics (formerly Invitae), Labcorp
Classification: Pathogenic. Last evaluated: 2020-06-30. Review status: criteria provided, single submitter. Criteria: Invitae Variant Classification Sherloc (09022015). Collection method: clinical testing. Allele origin: germline.
Comment: For these reasons, this variant has been classified as Pathogenic. Loss-of-function variants in PHEX are known to be pathogenic (PMID: 9097956, 9106524, 19219621). This variant has not been reported in the literature in individuals with PHEX-related conditions. ClinVar contains an entry for this variant (Variation ID: 280370). This variant is not present in population databases (ExAC no frequency). This sequence change creates a premature translational stop signal (p.Glu437Glyfs*4) in the PHEX gene. It is expected to result in an absent or disrupted protein product.

GeneDx
Classification: Pathogenic. Last evaluated: 2016-03-16. Review status: criteria provided, single submitter. Criteria: GeneDx Variant Classification (06012015). Collection method: clinical testing. Allele origin: germline. Affected: yes.
Comment: The c.1309dupG pathogenic variant in the PHEX gene causes a frameshift starting with codon Glutamic acid, changes this amino acid to a Glycine residue and creates a premature Stop codon at position 4 of the new reading frame, denoted p.Glu437GlyfsX4. This pathogenic variant is predicted to cause loss of normal protein function either through protein truncation or nonsense-mediated mRNA decay. The c.1309dupG variant was not observed in approximately 6,500 individuals of European and African American ancestry in the NHLBI Exome Sequencing Project, indicating it is not a common benign variant in these populations.

Literature cited by the submitters: PubMed 9097956 (cited by Labcorp Genetics (formerly Invitae), Labcorp); PubMed 9106524 (cited by Labcorp Genetics (formerly Invitae), Labcorp); PubMed 19219621 (cited by Labcorp Genetics (formerly Invitae), Labcorp).

NM_000444.6(PHEX):c.1309dup (p.Glu437fs)

Gene: PHEX (phosphate regulating endopeptidase X-linked; plus strand). Cytogenetic location: Xp22.11.
Variant type: Duplication.
Coding change: c.1309dup on transcript NM_000444.6 (MANE Select); coding-DNA position 1309, one base duplicated (G; older notation c.1309dupG).
Protein change: p.Glu437fs; shifts the reading frame from glutamic acid 437.
Molecular consequence: frameshift variant.
Genome position (GRCh38, 1-based): chrX:22,133,529, G duplicated; the last of 2 consecutive G bases (chrX:22,133,528-22,133,529); duplicating either gives the same sequence. VCF-style (leftmost placement, unchanged base first): chrX-22133527-A-AG. GRCh37 (hg19) VCF-style: chrX-22151644-A-AG.
Other names: c.1309dup, p.Glu437fs (NM_001282754.2); short protein forms E437fs.
Identifiers: ClinVar variation 280370 (VCV000280370.8), dbSNP rs886041588, ClinGen allele CA10603441.